The following is an entry in ClinVar:

NM_153676.4(USH1C):c.1560T>G (p.Pro520=)

Gene: USH1C (USH1 protein network component harmonin; minus strand). Cytogenetic location: 11p15.1.
Variant type: single nucleotide variant.
Coding change: c.1560T>G on transcript NM_153676.4 (MANE Select); coding-DNA position 1560, T replaced by G.
Protein change: p.Pro520=; no amino-acid change (proline 520 retained).
Molecular consequence: synonymous variant. On other transcripts: intron variant (2).
Genome position (GRCh38, 1-based): chr11:17,509,809, A>C on the plus strand (T>G on the coding strand, the complement: USH1C is on the minus strand). VCF-style: chr11-17509809-A-C. GRCh37 (hg19) VCF-style: chr11-17531356-A-C.
Other names: c.1227+7592T>G (NM_001297764.2); c.1284+7592T>G (NM_005709.4).
Identifiers: ClinVar variation 3040563 (VCV003040563.2), dbSNP rs757006603, ClinGen allele CA473299303.

ClinVar aggregate classification (germline): Likely benign (0 of 4 stars; one submission).

Conditions:
USH1C-related disorder. Also called: USH1C-related condition.

Submission:

PreventionGenetics, part of Exact Sciences
Classification: Likely benign for USH1C-related condition. Last evaluated: 2019-09-25. Review status: no assertion criteria provided. Collection method: clinical testing. Allele origin: germline.
Comment: This variant is classified as likely benign based on ACMG/AMP sequence variant interpretation guidelines (Richards et al. 2015 PMID: 25741868, with internal and published modifications).